The following is an entry in ClinVar:

NM_000186.4(CFH):c.725A>C (p.Glu242Ala)

Gene: CFH (complement factor H; plus strand). Cytogenetic location: 1q31.3.
Variant type: single nucleotide variant.
Coding change: c.725A>C on transcript NM_000186.4 (MANE Select); coding-DNA position 725, A replaced by C.
Protein change: p.Glu242Ala; replaces glutamic acid 242 with alanine.
Molecular consequence: missense variant.
Genome position (GRCh38, 1-based): chr1:196,679,728, A>C. VCF-style: chr1-196679728-A-C. GRCh37 (hg19) VCF-style: chr1-196648858-A-C.
Other names: c.725A>C, p.Glu242Ala (NM_001014975.3); short protein forms E242A.
Identifiers: ClinVar variation 4291324 (VCV004291324.1).

ClinVar aggregate classification (germline): Uncertain significance (1 of 4 stars; one submission).

Conditions:
Atypical hemolytic-uremic syndrome. Identifiers: Orphanet 2134, MedGen C2931788, MONDO:0016244.
Basal laminar drusen. Also called: DRUSEN OF BRUCH MEMBRANE; DRUSEN, CUTICULAR; DRUSEN, EARLY ADULT-ONSET, GROUPED. Identifiers: Orphanet 75376, MedGen C0730295, MONDO:0007472, OMIM 126700.
Factor H deficiency (CFHD). Also called: COMPLEMENT FACTOR H DEFICIENCY; CFH DEFICIENCY. Identifiers: Orphanet 200421, MedGen C0398777, MONDO:0012350, OMIM 609814.
Age related macular degeneration 4. Identifiers: MedGen C1853147, MONDO:0012540, OMIM 610698.

Submission:

Genomenon, Inc
Classification: Uncertain significance for Basal laminar drusen; Age related macular degeneration 4; Atypical hemolytic-uremic syndrome; Factor H deficiency. Last evaluated: 2025-10-02. Review status: criteria provided, single submitter. Criteria: Genomenon Sequence Variant Interpretation Standards - Updated. Collection method: curation. Allele origin: germline. Affected: no.
Comment: CFH p.Glu242Ala (c.725A>C) is a missense variant that changes the amino acid at residue 242 from Glutamic acid to Alanine. This variant has been reported in the published literature (PMID:21683447). It is absent or not present at a significant frequency in gnomAD. In silico models agree that this variant is not damaging. In conclusion, we classify CFH p.Glu242Ala (c.725A>C) as a variant of uncertain significance.

Literature cited by the submitters: PubMed 21683447.